The following is an entry in ClinVar:

ClinVar aggregate classification (germline): Likely pathogenic (1 of 4 stars; one submission).

Conditions:
MHC class II deficiency. Also called: BLS, TYPE II; Bare lymphocyte syndrome 2. Identifiers: Orphanet 572, MedGen C5447452, MONDO:0008855.

Submission:

Natera, Inc.
Classification: Likely pathogenic for Bare lymphocyte syndrome type II. Last evaluated: 2024-06-07. Review status: criteria provided, single submitter. Criteria: Natera Variant Classification Schema (03/2026). Collection method: clinical testing. Allele origin: germline.
Comment: The c.319C>T variant in CIITA is a nonsense variant predicted to introduce a stop codon at amino acid 107. This variant is expected to result in nonsense mediated decay, truncation, or a dysfunctional protein product. This variant is rare in the general population with a frequency below the threshold expected for the associated phenotype(s). Given the available evidence, this variant is classified as Likely Pathogenic.

NM_000246.4(CIITA):c.319C>T (p.Gln107Ter)

Gene: CIITA (class II major histocompatibility complex transactivator; plus strand). Cytogenetic location: 16p13.13.
Variant type: single nucleotide variant.
Coding change: c.319C>T on transcript NM_000246.4 (MANE Select); coding-DNA position 319, C replaced by T.
Protein change: p.Gln107Ter; replaces glutamine 107 with a stop codon.
Molecular consequence: nonsense. On other transcripts: non-coding transcript variant (1).
Genome position (GRCh38, 1-based): chr16:10,898,693, C>T. VCF-style: chr16-10898693-C-T. GRCh37 (hg19) VCF-style: chr16-10992550-C-T.
Other names: c.319C>T, p.Gln107Ter (NM_001286402.1, NM_001286403.2, NM_001379330.1 and 3 more transcripts); c.247C>T, p.Gln83Ter (NM_001379334.1); short protein forms Q107*, Q83*.
Identifiers: ClinVar variation 4817979 (VCV004817979.1).